The following is an entry in ClinVar:

NM_002292.4(LAMB2):c.3935G>A (p.Arg1312Gln)

Gene: LAMB2 (laminin subunit beta 2; minus strand). Cytogenetic location: 3p21.31.
Variant type: single nucleotide variant.
Coding change: c.3935G>A on transcript NM_002292.4 (MANE Select); coding-DNA position 3935, G replaced by A.
Protein change: p.Arg1312Gln; replaces arginine 1312 with glutamine.
Molecular consequence: missense variant.
Genome position (GRCh38, 1-based): chr3:49,123,494, C>T on the plus strand (G>A on the coding strand, the complement: LAMB2 is on the minus strand). VCF-style: chr3-49123494-C-T. GRCh37 (hg19) VCF-style: chr3-49160927-C-T.
Other names: short protein forms R1312Q.
Identifiers: ClinVar variation 2047417 (VCV002047417.3), dbSNP rs759882519, ClinGen allele CA2393911.

ClinVar aggregate classification (germline): Uncertain significance (1 of 4 stars; one submission).

Conditions:
LAMB2-related infantile-onset nephrotic syndrome. Also called: Nephrotic Syndrome, type 5; NEPHROTIC SYNDROME, TYPE 5, WITHOUT OCULAR ABNORMALITIES; NEPHROTIC SYNDROME, TYPE 5, WITH OCULAR ABNORMALITIES. Identifiers: Orphanet 306507, MedGen C3280113, MONDO:0013621, OMIM 614199.
Pierson syndrome. Also called: MICROCORIA-CONGENITAL NEPHROTIC SYNDROME. Identifiers: Orphanet 2670, MedGen C1836876, MONDO:0012184, OMIM 609049.

Allele frequency attached by ClinVar (database versions not stated): gnomAD 0.00001; TOPMed 0.00002; gnomAD exomes 0.00007; ExAC 0.00016.
gnomAD v4.1: 106 of 1,614,050 alleles (0.0066%); highest among the groups gnomAD compares: South Asian, 0.1%; 3 homozygotes.

Submission:

Labcorp Genetics (formerly Invitae), Labcorp
Classification: Uncertain significance for LAMB2-related infantile-onset nephrotic syndrome; Pierson syndrome. Last evaluated: 2022-06-15. Review status: criteria provided, single submitter. Criteria: Invitae Variant Classification Sherloc (09022015). Collection method: clinical testing. Allele origin: germline.
Comment: In summary, the available evidence is currently insufficient to determine the role of this variant in disease. Therefore, it has been classified as a Variant of Uncertain Significance. Algorithms developed to predict the effect of missense changes on protein structure and function are either unavailable or do not agree on the potential impact of this missense change (SIFT: "Deleterious"; PolyPhen-2: "Benign"; Align-GVGD: "Class C0"). This missense change has been observed in individual(s) with nephrotic syndrome (PMID: 30013592). This variant is present in population databases (rs759882519, gnomAD 0.1%), including at least one homozygous and/or hemizygous individual. This sequence change replaces arginine, which is basic and polar, with glutamine, which is neutral and polar, at codon 1312 of the LAMB2 protein (p.Arg1312Gln).

Literature cited by the submitters: PubMed 30013592.